The following is an entry in ClinVar:

NM_001904.4(CTNNB1):c.970T>G (p.Leu324Val)

Gene: CTNNB1 (catenin beta 1; plus strand). Cytogenetic location: 3p22.1.
Variant type: single nucleotide variant.
Coding change: c.970T>G on transcript NM_001904.4 (MANE Select); coding-DNA position 970, T replaced by G.
Protein change: p.Leu324Val; replaces leucine 324 with valine.
Molecular consequence: missense variant.
Genome position (GRCh38, 1-based): chr3:41,227,241, T>G. VCF-style: chr3-41227241-T-G. GRCh37 (hg19) VCF-style: chr3-41268732-T-G.
Other names: c.970T>G, p.Leu324Val (NM_001098209.2, NM_001098210.2); c.949T>G, p.Leu317Val (NM_001330729.2); short protein forms L324V, L317V.
Identifiers: ClinVar variation 959372 (VCV000959372.6), dbSNP rs554998963, ClinGen allele CA352231428.

ClinVar aggregate classification (germline): Uncertain significance (1 of 4 stars; one submission).

Submission:

Labcorp Genetics (formerly Invitae), Labcorp
Classification: Uncertain significance. Last evaluated: 2022-07-19. Review status: criteria provided, single submitter. Criteria: Invitae Variant Classification Sherloc (09022015). Collection method: clinical testing. Allele origin: germline.
Comment: In summary, the available evidence is currently insufficient to determine the role of this variant in disease. Therefore, it has been classified as a Variant of Uncertain Significance. Algorithms developed to predict the effect of missense changes on protein structure and function (SIFT, PolyPhen-2, Align-GVGD) all suggest that this variant is likely to be disruptive. ClinVar contains an entry for this variant (Variation ID: 959372). This variant has not been reported in the literature in individuals affected with CTNNB1-related conditions. This variant is not present in population databases (gnomAD no frequency). This sequence change replaces leucine, which is neutral and non-polar, with valine, which is neutral and non-polar, at codon 324 of the CTNNB1 protein (p.Leu324Val).